The following is an entry in ClinVar:

NM_000553.6(WRN):c.2102C>T (p.Ala701Val)

Gene: WRN (WRN RecQ like helicase; plus strand). Cytogenetic location: 8p12.
Variant type: single nucleotide variant.
Coding change: c.2102C>T on transcript NM_000553.6 (MANE Select); coding-DNA position 2102, C replaced by T.
Protein change: p.Ala701Val; replaces alanine 701 with valine.
Molecular consequence: missense variant.
Genome position (GRCh38, 1-based): chr8:31,111,628, C>T. VCF-style: chr8-31111628-C-T. GRCh37 (hg19) VCF-style: chr8-30969144-C-T.
Other names: short protein forms A701V.
Identifiers: ClinVar variation 2173245 (VCV002173245.4), dbSNP rs904972234, ClinGen allele CA370912399.

ClinVar aggregate classification (germline): Uncertain significance (1 of 4 stars; one submission).

Conditions:
Werner syndrome (WRN). Identifiers: Orphanet 902, MedGen C0043119, MONDO:0010196, OMIM 277700.

gnomAD v4.1: 1 of 1,613,984 alleles (0.000062%); no homozygotes.

Submission:

Labcorp Genetics (formerly Invitae), Labcorp
Classification: Uncertain significance for Werner syndrome. Last evaluated: 2023-09-21. Review status: criteria provided, single submitter. Criteria: Invitae Variant Classification Sherloc (09022015). Collection method: clinical testing. Allele origin: germline.
Comment: In summary, the available evidence is currently insufficient to determine the role of this variant in disease. Therefore, it has been classified as a Variant of Uncertain Significance. An algorithm developed to predict the effect of missense changes on protein structure and function (PolyPhen-2) suggests that this variant is likely to be disruptive. ClinVar contains an entry for this variant (Variation ID: 2173245). This variant has not been reported in the literature in individuals affected with WRN-related conditions. This variant is not present in population databases (gnomAD no frequency). This sequence change replaces alanine, which is neutral and non-polar, with valine, which is neutral and non-polar, at codon 701 of the WRN protein (p.Ala701Val).